The following is an entry in ClinVar:

ClinVar aggregate classification (germline): Pathogenic (1 of 4 stars; one submission).

gnomAD v4.1: 3 of 1,614,102 alleles (0.00019%); highest among the groups gnomAD compares: Admixed American, 0.005%; no homozygotes.

Submission:

GeneDx
Classification: Pathogenic. Last evaluated: 2025-06-05. Review status: criteria provided, single submitter. Criteria: GeneDx Variant Classification Process June 2021. Collection method: clinical testing. Allele origin: germline. Affected: yes.
Comment: Nonsense variant predicted to result in protein truncation or nonsense mediated decay in a gene for which loss of function is a known mechanism of disease; Not observed at significant frequency in large population cohorts (gnomAD); This variant is associated with the following publications: (PMID: 38316953)

NM_015465.5(GEMIN5):c.2224A>T (p.Lys742Ter)

Gene: GEMIN5 (gem nuclear organelle associated protein 5; minus strand). Cytogenetic location: 5q33.2.
Variant type: single nucleotide variant.
Coding change: c.2224A>T on transcript NM_015465.5 (MANE Select); coding-DNA position 2224, A replaced by T.
Protein change: p.Lys742Ter; replaces lysine 742 with a stop codon.
Molecular consequence: nonsense.
Genome position (GRCh38, 1-based): chr5:154,907,762, T>A on the plus strand (A>T on the coding strand, the complement: GEMIN5 is on the minus strand). VCF-style: chr5-154907762-T-A. GRCh37 (hg19) VCF-style: chr5-154287322-T-A.
Other names: c.2221A>T, p.Lys741Ter (NM_001252156.2); short protein forms K741*, K742*.
Identifiers: ClinVar variation 4536295 (VCV004536295.1).